The following is an entry in ClinVar:

NM_000428.3(LTBP2):c.4984G>A (p.Asp1662Asn)

Gene: LTBP2 (latent transforming growth factor beta binding protein 2; minus strand). Cytogenetic location: 14q24.3.
Variant type: single nucleotide variant.
Coding change: c.4984G>A on transcript NM_000428.3 (MANE Select); coding-DNA position 4984, G replaced by A.
Protein change: p.Asp1662Asn; replaces aspartic acid 1662 with asparagine.
Molecular consequence: missense variant.
Genome position (GRCh38, 1-based): chr14:74,502,839, C>T on the plus strand (G>A on the coding strand, the complement: LTBP2 is on the minus strand). VCF-style: chr14-74502839-C-T. GRCh37 (hg19) VCF-style: chr14-74969542-C-T.
Other names: c.4984G>A (NM_000428.2); short protein forms D1662N.
Identifiers: ClinVar variation 2200878 (VCV002200878.2), dbSNP rs546541340, ClinGen allele CA7268557.

ClinVar aggregate classification (germline): Uncertain significance. Review status: criteria provided, multiple submitters, no conflicts (2 of 4 stars). 2 submissions from 2 submitters: Uncertain significance (2). Last evaluated 2024-01-03.

Conditions:
Inborn genetic diseases. Identifiers: MedGen C0950123, MeSH D030342.

Allele frequency attached by ClinVar (database versions not stated): gnomAD 0.00004; gnomAD exomes 0.00004; TOPMed 0.00005; ExAC 0.00007; 1000 Genomes Project 0.00040; 1000 Genomes Project 30x 0.00047.
gnomAD v4.1: 61 of 1,614,070 alleles (0.0038%); highest among the groups gnomAD compares: South Asian, 0.03%; no homozygotes.

Submissions (2):

Ambry Genetics
Classification: Uncertain significance for Inborn genetic diseases. Last evaluated: 2024-01-03. Review status: criteria provided, single submitter. Criteria: Ambry Variant Classification Scheme 2023. Collection method: clinical testing. Allele origin: germline.

Labcorp Genetics (formerly Invitae), Labcorp
Classification: Uncertain significance. Last evaluated: 2022-05-15. Review status: criteria provided, single submitter. Criteria: Invitae Variant Classification Sherloc (09022015). Collection method: clinical testing. Allele origin: germline.
Comment: This sequence change replaces aspartic acid, which is acidic and polar, with asparagine, which is neutral and polar, at codon 1662 of the LTBP2 protein (p.Asp1662Asn). This variant is present in population databases (rs546541340, gnomAD 0.02%). This variant has not been reported in the literature in individuals affected with LTBP2-related conditions. Algorithms developed to predict the effect of missense changes on protein structure and function are either unavailable or do not agree on the potential impact of this missense change (SIFT: "Deleterious"; PolyPhen-2: "Possibly Damaging"; Align-GVGD: "Class C0"). In summary, the available evidence is currently insufficient to determine the role of this variant in disease. Therefore, it has been classified as a Variant of Uncertain Significance.